The following is an entry in ClinVar:

ClinVar aggregate classification (germline): Uncertain significance (1 of 4 stars; one submission).

Conditions:
Neurofibromatosis, type 1 (NF1). Also called: VON RECKLINGHAUSEN DISEASE; Peripheral type neurofibromatosis; NEUROFIBROMATOSIS, TYPE I, SOMATIC; Neurofibromatosis, type I. Identifiers: Orphanet 636, MedGen C0027831, MONDO:0018975, OMIM 162200. Disease mechanism: loss of function.

Submission:

Labcorp Genetics (formerly Invitae), Labcorp
Classification: Uncertain significance for Neurofibromatosis, type 1. Last evaluated: 2025-02-26. Review status: criteria provided, single submitter. Criteria: Invitae Variant Classification Sherloc (09022015). Collection method: clinical testing. Allele origin: germline.
Comment: This sequence change replaces glycine, which is neutral and non-polar, with serine, which is neutral and polar, at codon 1128 of the NF1 protein (p.Gly1128Ser). This variant is not present in population databases (gnomAD no frequency). This variant has not been reported in the literature in individuals affected with NF1-related conditions. Invitae Evidence Modeling of protein sequence and biophysical properties (such as structural, functional, and spatial information, amino acid conservation, physicochemical variation, residue mobility, and thermodynamic stability) indicates that this missense variant is not expected to disrupt NF1 protein function with a negative predictive value of 95%. In summary, the available evidence is currently insufficient to determine the role of this variant in disease. Therefore, it has been classified as a Variant of Uncertain Significance.

NM_001042492.3(NF1):c.3382G>A (p.Gly1128Ser)

Gene: NF1 (neurofibromin 1; plus strand). Cytogenetic location: 17q11.2.
Variant type: single nucleotide variant.
Coding change: c.3382G>A on transcript NM_001042492.3 (MANE Select); coding-DNA position 3382, G replaced by A.
Protein change: p.Gly1128Ser; replaces glycine 1128 with serine.
Molecular consequence: missense variant.
Genome position (GRCh38, 1-based): chr17:31,232,767, G>A. VCF-style: chr17-31232767-G-A. GRCh37 (hg19) VCF-style: chr17-29559785-G-A.
Other names: c.3382G>A, p.Gly1128Ser (NM_000267.4); short protein forms G1128S.
Identifiers: ClinVar variation 3634531 (VCV003634531.2).